The following is an entry in ClinVar:

NM_032217.5(ANKRD17):c.7664T>C (p.Ile2555Thr)

Gene: ANKRD17 (ankyrin repeat domain 17; minus strand). Cytogenetic location: 4q13.3.
Variant type: single nucleotide variant.
Coding change: c.7664T>C on transcript NM_032217.5 (MANE Select); coding-DNA position 7664, T replaced by C.
Protein change: p.Ile2555Thr; replaces isoleucine 2555 with threonine.
Molecular consequence: missense variant.
Genome position (GRCh38, 1-based): chr4:73,077,028, A>G on the plus strand (T>C on the coding strand, the complement: ANKRD17 is on the minus strand). VCF-style: chr4-73077028-A-G. GRCh37 (hg19) VCF-style: chr4-73942745-A-G.
Other names: c.7325T>C, p.Ile2442Thr (NM_001286771.3); c.7661T>C, p.Ile2554Thr (NM_015574.2); c.6911T>C, p.Ile2304Thr (NM_198889.3); short protein forms I2304T, I2442T, I2554T, I2555T.
Identifiers: ClinVar variation 1710407 (VCV001710407.3), dbSNP rs2530017320, ClinGen allele CA357203378.
Genomic context (GRCh38, chr4:73,077,028, plus strand): 5'-CTGGAAACCATCTTTATCAGTGAGTTCCAAGAAGGGTCTGCAGCATGAGGGCCATTAAAT[A>G]TGGGTCCTCCAGCACCATCAGGGATAGGTGCTACTGGAGGAATCATTGCATTCCCATACA-3'
Protein context (NP_115593.3, residues 2545-2565): APIPDGAGGP[Ile2555Thr]FNGPHAADPS

ClinVar aggregate classification (germline): Uncertain significance (1 of 4 stars; one submission).

Submission:

Greenwood Genetic Center Diagnostic Laboratories, Greenwood Genetic Center
Classification: Uncertain significance. Last evaluated: 2022-09-20. Review status: criteria provided, single submitter. Criteria: ACMG Guidelines, 2015. Collection method: clinical testing. Allele origin: germline. Affected: yes.
Comment: PM2, PP2, PP3